The following is an entry in ClinVar:

NM_000111.3(SLC26A3):c.1885A>C (p.Ile629Leu)

Gene: SLC26A3 (solute carrier family 26 member 3; minus strand). Cytogenetic location: 7q22.3.
Variant type: single nucleotide variant.
Coding change: c.1885A>C on transcript NM_000111.3 (MANE Select); coding-DNA position 1885, A replaced by C.
Protein change: p.Ile629Leu; replaces isoleucine 629 with leucine.
Molecular consequence: missense variant.
Genome position (GRCh38, 1-based): chr7:107,774,042, T>G on the plus strand (A>C on the coding strand, the complement: SLC26A3 is on the minus strand). VCF-style: chr7-107774042-T-G. GRCh37 (hg19) VCF-style: chr7-107414487-T-G.
Other names: short protein forms I629L.
Identifiers: ClinVar variation 2112250 (VCV002112250.1), dbSNP rs759075042, ClinGen allele CA4433660.
Genomic context (GRCh38, chr7:107,774,042, plus strand): 5'-GGCTGTGGAGGCTGATTTTGGGGACCTCAATGTTGAGAGGAAGATCATCATTCCAGTCAA[T>G]GTGGAAAGGCAGGTCTGTGGTATTGATTGGCTGGTCCAGTACTTCTATCTGATTGTTGTC-3'
Protein context (NP_000102.1, residues 619-639): PINTTDLPFH[Ile629Leu]DWNDDLPLNI

ClinVar aggregate classification (germline): Uncertain significance (1 of 4 stars; one submission).

Allele frequency attached by ClinVar (database versions not stated): ExAC 0.00001.
gnomAD v4.1: 7 of 1,614,106 alleles (0.00043%); highest among the groups gnomAD compares: South Asian, 0.0077%; no homozygotes.

Submission:

Labcorp Genetics (formerly Invitae), Labcorp
Classification: Uncertain significance. Last evaluated: 2022-05-29. Review status: criteria provided, single submitter. Criteria: Invitae Variant Classification Sherloc (09022015). Collection method: clinical testing. Allele origin: germline.
Comment: This sequence change replaces isoleucine, which is neutral and non-polar, with leucine, which is neutral and non-polar, at codon 629 of the SLC26A3 protein (p.Ile629Leu). This variant is present in population databases (rs759075042, gnomAD 0.01%). This variant has not been reported in the literature in individuals affected with SLC26A3-related conditions. Advanced modeling of protein sequence and biophysical properties (such as structural, functional, and spatial information, amino acid conservation, physicochemical variation, residue mobility, and thermodynamic stability) performed at Invitae indicates that this missense variant is not expected to disrupt SLC26A3 protein function. In summary, the available evidence is currently insufficient to determine the role of this variant in disease. Therefore, it has been classified as a Variant of Uncertain Significance.